The following is an entry in ClinVar:

ClinVar aggregate classification (germline): Likely benign (1 of 4 stars; one submission).

gnomAD v4.1: 11,784 of 1,613,952 alleles (0.73%); highest among the groups gnomAD compares: Non-Finnish European, 0.9%; 56 homozygotes.

Submission:

CeGaT Center for Human Genetics Tuebingen
Classification: Likely benign. Last evaluated: 2026-08-01. Review status: criteria provided, single submitter. Criteria: CeGaT Center For Human Genetics Tuebingen Variant Classification Criteria Version 2. Collection method: clinical testing. Allele origin: germline. Affected: yes. Observed: 1 variant allele.
Comment: SRP68: BS2

NM_014230.4(SRP68):c.1249C>T (p.Arg417Cys)

Gene: SRP68 (signal recognition particle 68; minus strand). Cytogenetic location: 17q25.1.
Variant type: single nucleotide variant.
Coding change: c.1249C>T on transcript NM_014230.4 (MANE Select); coding-DNA position 1249, C replaced by T.
Protein change: p.Arg417Cys; replaces arginine 417 with cysteine.
Molecular consequence: missense variant. On other transcripts: non-coding transcript variant (1).
Genome position (GRCh38, 1-based): chr17:76,046,088, G>A on the plus strand (C>T on the coding strand, the complement: SRP68 is on the minus strand). VCF-style: chr17-76046088-G-A. GRCh37 (hg19) VCF-style: chr17-74042169-G-A.
Other names: c.1135C>T, p.Arg379Cys (NM_001260502.2); c.232C>T, p.Arg78Cys (NM_001260503.2); short protein forms R379C, R417C, R78C.
Identifiers: ClinVar variation 5038560 (VCV005038560.1).